The following is an entry in ClinVar:

NM_004260.4(RECQL4):c.2055C>G (p.Asp685Glu)

Gene: RECQL4 (RecQ like helicase 4; minus strand). Cytogenetic location: 8q24.3.
Variant type: single nucleotide variant.
Coding change: c.2055C>G on transcript NM_004260.4 (MANE Select); coding-DNA position 2055, C replaced by G.
Protein change: p.Asp685Glu; replaces aspartic acid 685 with glutamic acid.
Molecular consequence: missense variant. On other transcripts: non-coding transcript variant (3).
Genome position (GRCh38, 1-based): chr8:144,513,931, G>C on the plus strand (C>G on the coding strand, the complement: RECQL4 is on the minus strand). VCF-style: chr8-144513931-G-C. GRCh37 (hg19) VCF-style: chr8-145739315-G-C.
Other names: c.1959C>G, p.Asp653Glu (NM_001413017.1, NM_001413020.1); c.2055C>G, p.Asp685Glu (NM_001413018.1, NM_001413019.1, NM_001413036.1); c.984C>G, p.Asp328Glu (NM_001413021.1, NM_001413022.1, NM_001413023.1 and 6 more transcripts); c.1926C>G, p.Asp642Glu (NM_001413025.1); c.918C>G, p.Asp306Glu (NM_001413030.1, NM_001413032.1, NM_001413027.1 and 1 more transcripts); c.786C>G, p.Asp262Glu (NM_001413031.1); c.1704C>G, p.Asp568Glu (NM_001413029.1); c.1923C>G, p.Asp641Glu (NM_001413033.1); and 5 more; short protein forms D196E, D328E, D568E, D284E, D318E, D653E, D262E, D306E.
Identifiers: ClinVar variation 2769600 (VCV002769600.4), dbSNP rs2538030675, ClinGen allele CA372680224.
Genomic context (GRCh38, chr8:144,513,931, plus strand): 5'-CGGCGTGGGCAGTCAGCAGCCAGGGCCCTGCAGGGTCCCCAGAGCACACACACCCACCTG[G>C]TCTGTGTCCCTGTCCATGGACACGGAAAGGTGCAGGTTGGTGGGAACTGGGGCTGGCCCG-3'
Protein context (NP_004251.4, residues 675-695): HLSVSMDRDT[Asp685Glu]QALLTLLQGK

ClinVar aggregate classification (germline): Uncertain significance. Review status: criteria provided, multiple submitters, no conflicts (2 of 4 stars). 2 submissions from 2 submitters: Uncertain significance (2). Last evaluated 2025-05-31.

Conditions:
Inborn genetic diseases. Identifiers: MedGen C0950123, MeSH D030342.
Baller-Gerold syndrome (BGS). Also called: CRANIOSYNOSTOSIS WITH RADIAL DEFECTS. Identifiers: Orphanet 1225, MedGen C0265308, MONDO:0009039, OMIM 218600.

Allele frequency attached by ClinVar (database versions not stated): gnomAD exomes below 0.00001.
gnomAD v4.1: 1 of 1,548,150 alleles (0.000065%); highest among the groups gnomAD compares: Non-Finnish European, 0.000087%; no homozygotes.

Submissions (2):

Ambry Genetics
Classification: Uncertain significance for Inborn genetic diseases. Last evaluated: 2025-05-31. Review status: criteria provided, single submitter. Criteria: Ambry Variant Classification Scheme 2023. Collection method: clinical testing. Allele origin: germline.
Comment: The p.D685E variant (also known as c.2055C>G), located in coding exon 12 of the RECQL4 gene, results from a C to G substitution at nucleotide position 2055. The aspartic acid at codon 685 is replaced by glutamic acid, an amino acid with highly similar properties. This amino acid position is conserved. In addition, this alteration is predicted to be tolerated by in silico analysis. Based on the available evidence, the clinical significance of this variant remains unclear.

Labcorp Genetics (formerly Invitae), Labcorp
Classification: Uncertain significance for Baller-Gerold syndrome. Last evaluated: 2023-11-15. Review status: criteria provided, single submitter. Criteria: Invitae Variant Classification Sherloc (09022015). Collection method: clinical testing. Allele origin: germline.
Comment: This sequence change replaces aspartic acid, which is acidic and polar, with glutamic acid, which is acidic and polar, at codon 685 of the RECQL4 protein (p.Asp685Glu). This variant is not present in population databases (gnomAD no frequency). This variant has not been reported in the literature in individuals affected with RECQL4-related conditions. Advanced modeling of protein sequence and biophysical properties (such as structural, functional, and spatial information, amino acid conservation, physicochemical variation, residue mobility, and thermodynamic stability) performed at Invitae indicates that this missense variant is not expected to disrupt RECQL4 protein function with a negative predictive value of 80%. In summary, the available evidence is currently insufficient to determine the role of this variant in disease. Therefore, it has been classified as a Variant of Uncertain Significance.